The following is an entry in ClinVar:

NM_207346.3(TSEN54):c.1294C>T (p.Leu432Phe)

Gene: TSEN54 (tRNA splicing endonuclease subunit 54; plus strand). Cytogenetic location: 17q25.1.
Variant type: single nucleotide variant.
Coding change: c.1294C>T on transcript NM_207346.3 (MANE Select); coding-DNA position 1294, C replaced by T.
Protein change: p.Leu432Phe; replaces leucine 432 with phenylalanine.
Molecular consequence: missense variant.
Genome position (GRCh38, 1-based): chr17:75,523,316, C>T. VCF-style: chr17-75523316-C-T. GRCh37 (hg19) VCF-style: chr17-73519397-C-T.
Other names: short protein forms L432F.
Identifiers: ClinVar variation 1911925 (VCV001911925.5), dbSNP rs1444929555, ClinGen allele CA401030527.
Genomic context (GRCh38, chr17:75,523,316, plus strand): 5'-GTTTTCTGTGTCCTTGTAGCCGTGGTCCTTCAGCATATCTCTGTGCTGCAGACAACACAC[C>T]TTCCTGATGGAGGTGCCCGGTAAGTTTCCAAGCAGTGCCGTCTCTGCAGTACCTTGACCG-3'
Protein context (NP_997229.2, residues 422-442): QHISVLQTTH[Leu432Phe]PDGGARLLEK

ClinVar aggregate classification (germline): Uncertain significance (1 of 4 stars; one submission).

Allele frequency attached by ClinVar (database versions not stated): gnomAD exomes below 0.00001; gnomAD 0.00002; TOPMed 0.00002.
gnomAD v4.1: 7 of 1,614,030 alleles (0.00043%); highest among the groups gnomAD compares: Admixed American, 0.012%; no homozygotes.

Submission:

Labcorp Genetics (formerly Invitae), Labcorp
Classification: Uncertain significance. Last evaluated: 2024-02-23. Review status: criteria provided, single submitter. Criteria: Invitae Variant Classification Sherloc (09022015). Collection method: clinical testing. Allele origin: germline.
Comment: This sequence change replaces leucine, which is neutral and non-polar, with phenylalanine, which is neutral and non-polar, at codon 432 of the TSEN54 protein (p.Leu432Phe). This variant is present in population databases (no rsID available, gnomAD 0.01%). This variant has not been reported in the literature in individuals affected with TSEN54-related conditions. ClinVar contains an entry for this variant (Variation ID: 1911925). Advanced modeling of protein sequence and biophysical properties (such as structural, functional, and spatial information, amino acid conservation, physicochemical variation, residue mobility, and thermodynamic stability) performed at Invitae indicates that this missense variant is not expected to disrupt TSEN54 protein function with a negative predictive value of 80%. In summary, the available evidence is currently insufficient to determine the role of this variant in disease. Therefore, it has been classified as a Variant of Uncertain Significance.